The following is an entry in ClinVar:

NM_000276.4(OCRL):c.1224del (p.Gln408fs)

Gene: OCRL (OCRL inositol polyphosphate-5-phosphatase; plus strand). Cytogenetic location: Xq26.1.
Variant type: Deletion.
Coding change: c.1224del on transcript NM_000276.4 (MANE Select); coding-DNA position 1224, one base deleted (G; older notation c.1224delG).
Protein change: p.Gln408fs; shifts the reading frame from glutamine 408.
Molecular consequence: frameshift variant.
Genome position (GRCh38, 1-based): chrX:129,562,766, G deleted. VCF-style (leftmost placement, unchanged base first): chrX-129562765-AG-A. GRCh37 (hg19) VCF-style: chrX-128696742-AG-A.
Other names: c.1227del, p.Gln409fs (NM_001318784.2); c.1224del, p.Gln408fs (NM_001587.4); short protein forms Q408fs, Q409fs.
Identifiers: ClinVar variation 3632802 (VCV003632802.2).

ClinVar aggregate classification (germline): Pathogenic (1 of 4 stars; one submission).

Conditions:
Lowe syndrome (OCRL). Also called: LOWE OCULOCEREBRORENAL SYNDROME; PHOSPHATIDYLINOSITOL 4,5-BISPHOSPHATE 5-PHOSPHATASE DEFICIENCY; Oculocerebrorenal Syndrome. Identifiers: Orphanet 534, MedGen C0028860, MONDO:0010645, OMIM 309000.

Submission:

Labcorp Genetics (formerly Invitae), Labcorp
Classification: Pathogenic for Lowe syndrome. Last evaluated: 2024-01-23. Review status: criteria provided, single submitter. Criteria: Invitae Variant Classification Sherloc (09022015). Collection method: clinical testing. Allele origin: germline.
Comment: This sequence change creates a premature translational stop signal (p.Gln408Hisfs*2) in the OCRL gene. It is expected to result in an absent or disrupted protein product. Loss-of-function variants in OCRL are known to be pathogenic (PMID: 19390221, 21031565, 22381590). This variant is not present in population databases (gnomAD no frequency). This variant has not been reported in the literature in individuals affected with OCRL-related conditions. Algorithms developed to predict the effect of sequence changes on RNA splicing suggest that this variant may disrupt the consensus splice site. For these reasons, this variant has been classified as Pathogenic.

Literature cited by the submitters: PubMed 19390221; PubMed 21031565; PubMed 22381590.